The following is an entry in ClinVar:

NM_002291.3(LAMB1):c.2629G>A (p.Asp877Asn)

Gene: LAMB1 (laminin subunit beta 1; minus strand). Cytogenetic location: 7q31.1.
Variant type: single nucleotide variant.
Coding change: c.2629G>A on transcript NM_002291.3 (MANE Select); coding-DNA position 2629, G replaced by A.
Protein change: p.Asp877Asn; replaces aspartic acid 877 with asparagine.
Molecular consequence: missense variant.
Genome position (GRCh38, 1-based): chr7:107,959,310, C>T on the plus strand (G>A on the coding strand, the complement: LAMB1 is on the minus strand). VCF-style: chr7-107959310-C-T. GRCh37 (hg19) VCF-style: chr7-107599755-C-T.
Other names: short protein forms D877N.
Identifiers: ClinVar variation 4692241 (VCV004692241.1).

ClinVar aggregate classification (germline): Uncertain significance (1 of 4 stars; one submission).

gnomAD v4.1: 9 of 1,614,126 alleles (0.00056%); highest among the groups gnomAD compares: African/African-American, 0.004%; no homozygotes.

Submission:

Labcorp Genetics (formerly Invitae), Labcorp
Classification: Uncertain significance. Last evaluated: 2026-01-27. Review status: criteria provided, single submitter. Criteria: Invitae Variant Classification Sherloc (09022015). Collection method: clinical testing. Allele origin: germline.
Comment: This sequence change replaces aspartic acid, which is acidic and polar, with asparagine, which is neutral and polar, at codon 877 of the LAMB1 protein (p.Asp877Asn). This variant is not present in population databases (gnomAD no frequency). This variant has not been reported in the literature in individuals affected with LAMB1-related conditions. An algorithm developed to predict the effect of missense changes on protein structure and function (PolyPhen-2) suggests that this variant is likely to be tolerated. In summary, the available evidence is currently insufficient to determine the role of this variant in disease. Therefore, it has been classified as a Variant of Uncertain Significance.